The following is an entry in ClinVar:

ClinVar aggregate classification (germline): Likely benign. Review status: criteria provided, multiple submitters, no conflicts (2 of 4 stars). 2 submissions from 2 submitters: Likely benign (2). Last evaluated 2025-01-08.

gnomAD v4.1: 10 of 1,612,986 alleles (0.00062%); highest among the groups gnomAD compares: African/African-American, 0.0027%; no homozygotes.

Submissions (2):

Mayo Clinic Laboratories, Mayo Clinic
Classification: Likely benign. Last evaluated: 2025-01-08. Review status: criteria provided, single submitter. Criteria: ACMG Guidelines, 2015. Collection method: clinical testing. Allele origin: germline. Observed: 1 variant allele.
Comment: BP4, BP7

Labcorp Genetics (formerly Invitae), Labcorp
Classification: Likely benign. Last evaluated: 2024-10-02. Review status: criteria provided, single submitter. Criteria: Invitae Variant Classification Sherloc (09022015). Collection method: clinical testing. Allele origin: germline.

NM_006929.5(SKIC2):c.2946C>T (p.Leu982=)

Gene: SKIC2 (SKI2 subunit of superkiller complex; plus strand). Cytogenetic location: 6p21.33.
Variant type: single nucleotide variant.
Coding change: c.2946C>T on transcript NM_006929.5 (MANE Select); coding-DNA position 2946, C replaced by T.
Protein change: p.Leu982=; no amino-acid change (leucine 982 retained).
Molecular consequence: synonymous variant.
Genome position (GRCh38, 1-based): chr6:31,968,415, C>T. VCF-style: chr6-31968415-C-T. GRCh37 (hg19) VCF-style: chr6-31936192-C-T.
Other names: p.Leu982=.
Identifiers: ClinVar variation 2962557 (VCV002962557.4), dbSNP rs776876478, ClinGen allele CA136913487.